The following is an entry in ClinVar:

ClinVar aggregate classification (germline): Uncertain significance (1 of 4 stars; one submission).

Conditions:
Inborn genetic diseases. Identifiers: MedGen C0950123, MeSH D030342.

Submission:

Ambry Genetics
Classification: Uncertain significance for Inborn genetic diseases. Last evaluated: 2021-12-29. Review status: criteria provided, single submitter. Criteria: Ambry Variant Classification Scheme 2023. Collection method: clinical testing. Allele origin: germline.
Comment: The p.V366A variant (also known as c.1097T>C), located in coding exon 3 of the SLC52A2 gene, results from a T to C substitution at nucleotide position 1097. The valine at codon 366 is replaced by alanine, an amino acid with similar properties. This amino acid position is conserved. In addition, this alteration is predicted to be tolerated by in silico analysis. Since supporting evidence is limited at this time, the clinical significance of this alteration remains unclear.

NM_001363118.2(SLC52A2):c.1097T>C (p.Val366Ala)

Gene: SLC52A2 (solute carrier family 52 member 2; plus strand). Cytogenetic location: 8q24.3.
Variant type: single nucleotide variant.
Coding change: c.1097T>C on transcript NM_001363118.2 (MANE Select); coding-DNA position 1097, T replaced by C.
Protein change: p.Val366Ala; replaces valine 366 with alanine.
Molecular consequence: missense variant. On other transcripts: non-coding transcript variant (1).
Genome position (GRCh38, 1-based): chr8:144,360,685, T>C. VCF-style: chr8-144360685-T-C. GRCh37 (hg19) VCF-style: chr8-145584345-T-C.
Other names: c.1097T>C, p.Val366Ala (NM_001253815.2, NM_001253816.2, NM_001363120.2 and 2 more transcripts); c.605T>C, p.Val202Ala (NM_001363122.2); c.833T>C, p.Val278Ala (NM_001410949.1); short protein forms V366A, V278A, V202A.
Identifiers: ClinVar variation 1791031 (VCV001791031.2), dbSNP rs2537248901, ClinGen allele CA372629143.